The following is an entry in ClinVar:

ClinVar aggregate classification (germline): Uncertain significance. Review status: criteria provided, multiple submitters, no conflicts (2 of 4 stars). 2 submissions from 2 submitters: Uncertain significance (2). Last evaluated 2024-11-28.

Conditions:
Hereditary cancer-predisposing syndrome. Also called: Tumor predisposition; Hereditary neoplastic syndrome; Neoplastic Syndromes, Hereditary; Hereditary Cancer Syndrome. Identifiers: Orphanet 140162, MedGen C0027672, MeSH D009386, MONDO:0015356.
Neuroblastoma, susceptibility to, 3. Also called: ALK-Related Neuroblastic Tumor Susceptibility. Identifiers: Orphanet 635, MedGen C2751681, MONDO:0013083, OMIM 613014.

Allele frequency attached by ClinVar (database versions not stated): gnomAD exomes 0.00001 and 0.00002.
gnomAD v4.1: 4 of 1,614,140 alleles (0.00025%); highest among the groups gnomAD compares: Admixed American, 0.005%; no homozygotes.

Submissions (2):

Ambry Genetics
Classification: Uncertain significance for Hereditary cancer-predisposing syndrome. Last evaluated: 2024-11-28. Review status: criteria provided, single submitter. Criteria: Ambry Variant Classification Scheme 2023. Collection method: clinical testing. Allele origin: germline.
Comment: The p.N1613K variant (also known as c.4839T>G), located in coding exon 29 of the ALK gene, results from a T to G substitution at nucleotide position 4839. The asparagine at codon 1613 is replaced by lysine, an amino acid with similar properties. This amino acid position is conserved. In addition, this alteration is predicted to be tolerated by in silico analysis. Based on the available evidence, the clinical significance of this variant remains unclear.

Labcorp Genetics (formerly Invitae), Labcorp
Classification: Uncertain significance for Neuroblastoma, susceptibility to, 3. Last evaluated: 2020-10-29. Review status: criteria provided, single submitter. Criteria: Invitae Variant Classification Sherloc (09022015). Collection method: clinical testing. Allele origin: germline.
Comment: In summary, the available evidence is currently insufficient to determine the role of this variant in disease. Therefore, it has been classified as a Variant of Uncertain Significance. Algorithms developed to predict the effect of missense changes on protein structure and function (SIFT, PolyPhen-2, Align-GVGD) all suggest that this variant is likely to be tolerated, but these predictions have not been confirmed by published functional studies and their clinical significance is uncertain. This variant has not been reported in the literature in individuals with ALK-related conditions. This variant is not present in population databases (ExAC no frequency). This sequence change replaces asparagine with lysine at codon 1613 of the ALK protein (p.Asn1613Lys). The asparagine residue is weakly conserved and there is a moderate physicochemical difference between asparagine and lysine.

NM_004304.5(ALK):c.4839T>G (p.Asn1613Lys)

Gene: ALK (ALK receptor tyrosine kinase; minus strand). Cytogenetic location: 2p23.2.
Variant type: single nucleotide variant.
Coding change: c.4839T>G on transcript NM_004304.5 (MANE Select); coding-DNA position 4839, T replaced by G.
Protein change: p.Asn1613Lys; replaces asparagine 1613 with lysine.
Molecular consequence: missense variant.
Genome position (GRCh38, 1-based): chr2:29,193,248, A>C on the plus strand (T>G on the coding strand, the complement: ALK is on the minus strand). VCF-style: chr2-29193248-A-C. GRCh37 (hg19) VCF-style: chr2-29416114-A-C.
Other names: c.4839T>G (NM_004304.4); c.1635T>G, p.Asn545Lys (NM_001353765.2); short protein forms N545K, N1613K.
Identifiers: ClinVar variation 1525474 (VCV001525474.9), dbSNP rs1487769564, ClinGen allele CA346460042.